The following is an entry in ClinVar:

ClinVar aggregate classification (germline): Uncertain significance (1 of 4 stars; one submission).

Submission:

Women's Health and Genetics/Laboratory Corporation of America, LabCorp
Classification: Uncertain significance. Last evaluated: 2026-04-16. Review status: criteria provided, single submitter. Criteria: LabCorp Variant Classification Summary - May 2015. Collection method: clinical testing. Allele origin: germline.
Comment: Variant summary: SPG11 c.267G>T (p.Trp89Cys) results in a non-conservative amino acid change in the encoded protein sequence. Algorithms developed to predict the effect of missense changes on protein structure and function all suggest that this variant is likely to be disruptive. The variant was absent in 251148 control chromosomes. The available data on variant occurrences in the general population are insufficient to allow any conclusion about variant significance. To our knowledge, no occurrence of c.267G>T in individuals affected with SPG11-related conditions and no experimental evidence demonstrating its impact on protein function have been reported. No submitters have cited clinical-significance assessments for this variant to ClinVar. Based on the evidence outlined above, the variant was classified as uncertain significance.

NM_025137.4(SPG11):c.267G>T (p.Trp89Cys)

Gene: SPG11 (SPG11 vesicle trafficking associated, spatacsin; minus strand). Cytogenetic location: 15q21.1.
Variant type: single nucleotide variant.
Coding change: c.267G>T on transcript NM_025137.4 (MANE Select); coding-DNA position 267, G replaced by T.
Protein change: p.Trp89Cys; replaces tryptophan 89 with cysteine.
Molecular consequence: missense variant.
Genome position (GRCh38, 1-based): chr15:44,660,607, C>A on the plus strand (G>T on the coding strand, the complement: SPG11 is on the minus strand). VCF-style: chr15-44660607-C-A. GRCh37 (hg19) VCF-style: chr15-44952805-C-A.
Other names: c.267G>T, p.Trp89Cys (NM_001160227.2, NM_001411132.1); short protein forms W89C.
Identifiers: ClinVar variation 4848486 (VCV004848486.1).